The following is an entry in ClinVar:

NM_004963.4(GUCY2C):c.1928A>T (p.Lys643Met)

Gene: GUCY2C (guanylate cyclase 2C; minus strand). Cytogenetic location: 12p12.3.
Variant type: single nucleotide variant.
Coding change: c.1928A>T on transcript NM_004963.4 (MANE Select); coding-DNA position 1928, A replaced by T.
Protein change: p.Lys643Met; replaces lysine 643 with methionine.
Molecular consequence: missense variant.
Genome position (GRCh38, 1-based): chr12:14,643,576, T>A on the plus strand (A>T on the coding strand, the complement: GUCY2C is on the minus strand). VCF-style: chr12-14643576-T-A. GRCh37 (hg19) VCF-style: chr12-14796510-T-A.
Other names: short protein forms K643M.
Identifiers: ClinVar variation 4704233 (VCV004704233.1).

ClinVar aggregate classification (germline): Uncertain significance (1 of 4 stars; one submission).

Submission:

Labcorp Genetics (formerly Invitae), Labcorp
Classification: Uncertain significance. Last evaluated: 2025-08-05. Review status: criteria provided, single submitter. Criteria: Invitae Variant Classification Sherloc (09022015). Collection method: clinical testing. Allele origin: germline.
Comment: This sequence change replaces lysine, which is basic and polar, with methionine, which is neutral and non-polar, at codon 643 of the GUCY2C protein (p.Lys643Met). This variant is present in population databases (rs773648325, gnomAD 0.02%). This variant has not been reported in the literature in individuals affected with GUCY2C-related conditions. An algorithm developed to predict the effect of missense changes on protein structure and function (PolyPhen-2) suggests that this variant is likely to be disruptive. In summary, the available evidence is currently insufficient to determine the role of this variant in disease. Therefore, it has been classified as a Variant of Uncertain Significance.